The following is an entry in ClinVar:

ClinVar aggregate classification (germline): Likely benign. Review status: criteria provided, multiple submitters, no conflicts (2 of 4 stars). 2 submissions from 2 submitters: Likely benign (2). Last evaluated 2022-03-04.

Conditions:
Ehlers-Danlos syndrome, classic type, 1 (EDSCL1). Also called: EHLERS-DANLOS SYNDROME, GRAVIS TYPE; EHLERS-DANLOS SYNDROME, SEVERE CLASSIC TYPE; EDS I; Ehlers-Danlos Syndrome, Classic Type, COL5A1-Related; Ehlers-Danlos syndrome, type 1. Identifiers: MedGen C0268335, MONDO:0019567, OMIM 130000.
Osteogenesis imperfecta type I (OI1). Also called: OI, TYPE I; OSTEOGENESIS IMPERFECTA TARDA; OSTEOGENESIS IMPERFECTA WITH BLUE SCLERAE; Classic Non-deforming Osteogenesis Imperfecta with Blue Sclerae; Lobstein disease; Osteogenesis imperfecta type 1. Identifiers: Orphanet 216796, Orphanet 666, MedGen C0023931, MONDO:0008146, OMIM 166200. Disease mechanism: loss of function.

Allele frequency attached by ClinVar (database versions not stated): gnomAD 0.00001; TOPMed 0.00005.
gnomAD v4.1: 2 of 1,612,844 alleles (0.00012%); highest among the groups gnomAD compares: African/African-American, 0.0027%; no homozygotes.

Submissions (2):

Labcorp Genetics (formerly Invitae), Labcorp
Classification: Likely benign for Osteogenesis imperfecta type I; Ehlers-Danlos syndrome, classic type, 1. Last evaluated: 2022-03-04. Review status: criteria provided, single submitter. Criteria: Invitae Variant Classification Sherloc (09022015). Collection method: clinical testing. Allele origin: germline.

GeneDx
Classification: Likely benign. Last evaluated: 2017-03-09. Review status: criteria provided, single submitter. Criteria: GeneDx Variant Classification (06012015). Collection method: clinical testing. Allele origin: germline. Affected: yes.
Comment: This variant is considered likely benign or benign based on one or more of the following criteria: it is a conservative change, it occurs at a poorly conserved position in the protein, it is predicted to be benign by multiple in silico algorithms, and/or has population frequency not consistent with disease.

NM_000089.4(COL1A2):c.1198-16A>T

Gene: COL1A2 (collagen type I alpha 2 chain; plus strand). Cytogenetic location: 7q21.3.
Variant type: single nucleotide variant.
Coding change: c.1198-16A>T on transcript NM_000089.4 (MANE Select); 16 bases into the intron before coding-DNA position 1198, A replaced by T.
Molecular consequence: intron variant.
Genome position (GRCh38, 1-based): chr7:94,410,873, A>T. VCF-style: chr7-94410873-A-T. GRCh37 (hg19) VCF-style: chr7-94040185-A-T.
Identifiers: ClinVar variation 508000 (VCV000508000.6), dbSNP rs984345878, ClinGen allele CA162921589.